The following is an entry in ClinVar:

NM_001903.5(CTNNA1):c.913dup (p.Leu305fs)

Gene: CTNNA1 (catenin alpha 1; plus strand). Cytogenetic location: 5q31.2.
Variant type: Duplication.
Coding change: c.913dup on transcript NM_001903.5 (MANE Select); coding-DNA position 913, one base duplicated (C; older notation c.913dupC).
Protein change: p.Leu305fs; shifts the reading frame from leucine 305.
Molecular consequence: frameshift variant.
Genome position (GRCh38, 1-based): chr5:138,827,569, C duplicated; the last of 3 consecutive C bases (chr5:138,827,567-138,827,569); duplicating any one gives the same sequence. VCF-style (leftmost placement, unchanged base first): chr5-138827566-T-TC. GRCh37 (hg19) VCF-style: chr5-138163255-T-TC.
Other names: c.913dup, p.Leu305fs (NM_001290307.3, NM_001323982.2, NM_001323983.1 and 3 more transcripts); c.604dup, p.Leu202fs (NM_001290309.3); c.544dup, p.Leu182fs (NM_001290310.3); short protein forms L182fs, L202fs, L305fs.
Identifiers: ClinVar variation 2625476 (VCV002625476.3), dbSNP rs2532446561, ClinGen allele CA2582341650.

ClinVar aggregate classification (germline): Pathogenic (1 of 4 stars; one submission).

Conditions:
Hereditary cancer-predisposing syndrome. Also called: Tumor predisposition; Hereditary Cancer Syndrome; Hereditary neoplastic syndrome; Neoplastic Syndromes, Hereditary. Identifiers: Orphanet 140162, MedGen C0027672, MeSH D009386, MONDO:0015356.

Submission:

Ambry Genetics
Classification: Pathogenic for Hereditary cancer-predisposing syndrome. Last evaluated: 2025-07-01. Review status: criteria provided, single submitter. Criteria: Ambry Variant Classification Scheme 2023. Collection method: clinical testing. Allele origin: germline.
Comment: The c.913dupC pathogenic mutation, located in coding exon 6 of the CTNNA1 gene, results from a duplication of C at nucleotide position 913, causing a translational frameshift with a predicted alternate stop codon (p.L305Pfs*10). This variant is considered to be rare based on population cohorts in the Genome Aggregation Database (gnomAD). This alteration is expected to result in loss of function by premature protein truncation or nonsense-mediated mRNA decay. As such, this alteration is interpreted as a disease-causing mutation.